The following is an entry in ClinVar:

ClinVar aggregate classification (germline): Pathogenic (1 of 4 stars; one submission).

Conditions:
Congenital lactic acidosis, Saguenay-Lac-Saint-Jean type (MC4DN5). Also called: CYTOCHROME c OXIDASE DEFICIENCY, FRENCH CANADIAN TYPE; COX DEFICIENCY, FRENCH CANADIAN TYPE; MITOCHONDRIAL COMPLEX IV DEFICIENCY, NUCLEAR TYPE 5. Identifiers: Orphanet 70472, MedGen C1857355, MONDO:0009069, OMIM 220111.

Submission:

Myriad Genetics, Inc.
Classification: Pathogenic for Congenital lactic acidosis, Saguenay-Lac-Saint-Jean type. Last evaluated: 2025-12-27. Review status: criteria provided, single submitter. Criteria: Myriad Autosomal Dominant, Autosomal Recessive and X-Linked Classification Criteria (2023). Collection method: clinical testing. Allele origin: unknown.
Comment: NM_133259.3(LRPPRC):c.1664delA(N555Ifs*6) is expected to be pathogenic in the context of Leigh syndrome, French-Canadian type. This variant is predicted to lead to an abnormal or absent protein product due to the creation of a premature termination codon in LRPPRC, a gene where loss-of-function variants are known to be pathogenic. Please note: this variant was assessed in the context of healthy population screening.

NM_133259.4(LRPPRC):c.1664del (p.Asn555fs)

Gene: LRPPRC (leucine rich pentatricopeptide repeat containing; minus strand). Cytogenetic location: 2p21.
Variant type: Deletion.
Coding change: c.1664del on transcript NM_133259.4 (MANE Select); coding-DNA position 1664, one base deleted (A; older notation c.1664delA).
Protein change: p.Asn555fs; shifts the reading frame from asparagine 555.
Molecular consequence: frameshift variant.
Genome position (GRCh38, 1-based): chr2:43,950,586, T deleted on the plus strand (A on the coding strand, the reverse complement: LRPPRC is on the minus strand); the first of 3 consecutive T bases (chr2:43,950,586-43,950,588); deleting any one gives the same sequence. VCF-style (leftmost placement, unchanged base first): chr2-43950585-AT-A. GRCh37 (hg19) VCF-style: chr2-44177724-AT-A.
Other names: short protein forms N555fs.
Identifiers: ClinVar variation 5015372 (VCV005015372.1).